The following is an entry in ClinVar:

ClinVar aggregate classification (germline): Likely benign (1 of 4 stars; one submission).

Submission:

CeGaT Center for Human Genetics Tuebingen
Classification: Likely benign. Last evaluated: 2026-08-01. Review status: criteria provided, single submitter. Criteria: CeGaT Center For Human Genetics Tuebingen Variant Classification Criteria Version 2. Collection method: clinical testing. Allele origin: germline. Affected: yes. Observed: 1 variant allele.
Comment: MYO18B: PM2:Supporting, BP4, BP7

NM_032608.7(MYO18B):c.3897G>A (p.Glu1299=)

Gene: MYO18B (myosin XVIIIB; plus strand). Cytogenetic location: 22q12.1.
Variant type: single nucleotide variant.
Coding change: c.3897G>A on transcript NM_032608.7 (MANE Select); coding-DNA position 3897, G replaced by A.
Protein change: p.Glu1299=; no amino-acid change (glutamic acid 1299 retained).
Molecular consequence: synonymous variant.
Genome position (GRCh38, 1-based): chr22:25,868,331, G>A. VCF-style: chr22-25868331-G-A. GRCh37 (hg19) VCF-style: chr22-26264298-G-A.
Other names: c.3900G>A, p.Glu1300= (NM_001318245.2).
Identifiers: ClinVar variation 5040091 (VCV005040091.1).
Genomic context (GRCh38, chr22:25,868,331, plus strand): 5'-ATCCTCCTACCTTCTATGCTGTCTAACTTCTCTCTAATTTTTTCCCCAGGCCGTGGAGGA[G>A]CTCCTGGAGACCCTGGATCTGGAAAAGAAGGCGGTGGCTGTGGGGCACAGCCAAGTGAGT-3'
Protein context (NP_115997.5, residues 1289-1309): EGIDERKAVE[Glu1299=]LLETLDLEKK